The following is an entry in ClinVar:

NM_001046.3(SLC12A2):c.224C>A (p.Thr75Asn)

Genes: SLC12A2 (solute carrier family 12 member 2; plus strand), LOC129994526 (ATAC-STARR-seq lymphoblastoid silent region 16295; plus strand). Cytogenetic location: 5q23.3.
Variant type: single nucleotide variant.
Coding change: c.224C>A on transcript NM_001046.3 (MANE Select); coding-DNA position 224, C replaced by A.
Protein change: p.Thr75Asn; replaces threonine 75 with asparagine.
Molecular consequence: missense variant. On other transcripts: non-coding transcript variant (1).
Genome position (GRCh38, 1-based): chr5:128,084,178, C>A. VCF-style: chr5-128084178-C-A. GRCh37 (hg19) VCF-style: chr5-127419870-C-A.
Other names: c.224C>A, p.Thr75Asn (NM_001256461.2); short protein forms T75N.
Identifiers: ClinVar variation 5018992 (VCV005018992.2).

ClinVar aggregate classification (germline): Uncertain significance (1 of 4 stars; one submission).

Conditions:
Kilquist syndrome (KILQS). Also called: SLC12A2-related autosomal recessive neonatal-developmental delay-intellectual disability-feeding difficulty-sensorineural deafness syndrome. Identifiers: Orphanet 633021, MedGen C5436756, MONDO:0033664, OMIM 619080.
Delpire-McNeill syndrome. Also called: SLC12A2-related autosomal dominant infantile-developmental delay-intellectual disability-sensorineural deafness syndrome. Identifiers: Orphanet 633024, MedGen C5436771, MONDO:0033667, OMIM 619083.
Hearing loss, autosomal dominant 78. Also called: DEAFNESS, AUTOSOMAL DOMINANT 78. Identifiers: MedGen C5436768, MONDO:0033665, OMIM 619081.

Submission:

Juno Genomics, Hangzhou Juno Genomics, Inc
Classification: Uncertain significance for Hearing loss, autosomal dominant 78; Delpire-McNeill syndrome; Kilquist syndrome. Review status: criteria provided, single submitter. Criteria: ACMG Guidelines, 2015. Collection method: clinical testing. Allele origin: germline.
Comment: Absent from controls (or at extremely low frequency if recessive) in Genome Aggregation Database.